The following is an entry in ClinVar:

NM_001395426.1(PDE4DIP):c.2031G>A (p.Glu677=)

Gene: PDE4DIP (phosphodiesterase 4D interacting protein; plus strand). Cytogenetic location: 1q21.2.
Variant type: single nucleotide variant.
Coding change: c.2031G>A on transcript NM_001395426.1 (MANE Select); coding-DNA position 2031, G replaced by A.
Protein change: p.Glu677=; no amino-acid change (glutamic acid 677 retained).
Molecular consequence: synonymous variant.
Genome position (GRCh38, 1-based): chr1:148,968,883, G>A. VCF-style: chr1-148968883-G-A. GRCh37 (hg19) VCF-style: chr1-144915592-C-T.
Other names: c.2322G>A, p.Glu774= (NM_001002811.3, NM_001350520.2, NM_001395297.1 and 4 more transcripts); c.1833G>A, p.Glu611= (NM_001002812.4, NM_001198834.5, NM_014644.7); c.2031G>A, p.Glu677= (NM_001198832.4, NM_001350522.3, NM_001350523.3 and 11 more transcripts); c.2244G>A, p.Glu748= (NM_001350521.4, NM_001377392.2, NM_001395298.1 and 4 more transcripts); c.2133G>A, p.Glu711= (NM_001395300.1, NM_001395302.1); c.1920G>A, p.Glu640= (NM_001395313.1, NM_001395321.1); c.1983G>A, p.Glu661= (NM_001395319.1); c.1737G>A, p.Glu579= (NM_001395322.1); and 2 more.
Identifiers: ClinVar variation 2639072 (VCV002639072.24), dbSNP rs781809327, ClinGen allele CA1047207.
Genomic context (GRCh38, chr1:148,968,883, plus strand): 5'-CTTTCTGCATTAGGATCTTAGTGCAACACTGCTCTGCAAACTTGGACCAGGGCAGAGTGA[G>A]ATAGCAGAGGAGCTGTGCCAGCGTCTACAGCGAAAGGAAAGGATGCTGCAGGACCTTCTA-3'
Protein context (NP_001382355.1, residues 667-687): LLCKLGPGQS[Glu677=]IAEELCQRLQ

ClinVar aggregate classification (germline): Likely benign (1 of 4 stars; one submission).

Allele frequency attached by ClinVar (database versions not stated): ExAC 0.00285.

Submission:

CeGaT Center for Human Genetics Tuebingen
Classification: Likely benign. Last evaluated: 2022-11-01. Review status: criteria provided, single submitter. Criteria: CeGaT Center For Human Genetics Tuebingen Variant Classification Criteria Version 2. Collection method: clinical testing. Allele origin: germline. Affected: yes. Observed: 1 variant allele.
Comment: PDE4DIP: BP4, BP7